The following is an entry in ClinVar:

NM_000478.6(ALPL):c.472+5G>C

Gene: ALPL (alkaline phosphatase, biomineralization associated; plus strand). Cytogenetic location: 1p36.12.
Variant type: single nucleotide variant.
Coding change: c.472+5G>C on transcript NM_000478.6 (MANE Select); 5 bases into the intron after coding-DNA position 472, G replaced by C.
Molecular consequence: intron variant.
Genome position (GRCh38, 1-based): chr1:21,563,289, G>C. VCF-style: chr1-21563289-G-C. GRCh37 (hg19) VCF-style: chr1-21889782-G-C.
Other names: c.472+5G>C (NM_001369805.2, NM_001369804.2, NM_001369803.2); c.307+5G>C (NM_001127501.4); c.241+5G>C (NM_001177520.3).
Identifiers: ClinVar variation 560360 (VCV000560360.9), dbSNP rs1558549099, ClinGen allele CA658820986.
Genomic context (GRCh38, chr1:21,563,289, plus strand): 5'-CAACACCACCCAGGGGAACGAGGTCACCTCCATCCTGCGCTGGGCCAAGGACGCTGGTGA[G>C]TCGGGGGAGCAGTGGGGAGCAGGGCCAGCTTCGTGGCCTGTCCAGGCCTCAGTCTTTCTG-3'

ClinVar aggregate classification (germline): Conflicting classifications of pathogenicity. Review status: criteria provided, conflicting classifications (1 of 4 stars). 3 submissions from 3 submitters: Pathogenic (1); Uncertain significance (1). 1 of the submissions does not count toward it. Last evaluated 2026-03-01.

Conditions:
Decreased circulating alkaline phosphatase activity. Identifiers: MedGen C1860130, HP:0003282.

Submissions (3):

CeGaT Center for Human Genetics Tuebingen
Classification: Uncertain significance. Last evaluated: 2026-03-01. Review status: criteria provided, single submitter. Criteria: CeGaT Center For Human Genetics Tuebingen Variant Classification Criteria Version 2. Collection method: clinical testing. Allele origin: germline. Affected: yes. Observed: 1 variant allele.
Comment: ALPL: PM2, PP4:Moderate

Labcorp Genetics (formerly Invitae), Labcorp
Classification: Pathogenic. Last evaluated: 2023-08-16. Review status: criteria provided, single submitter. Criteria: Invitae Variant Classification Sherloc (09022015). Collection method: clinical testing. Allele origin: germline.
Comment: For these reasons, this variant has been classified as Pathogenic. Variants that disrupt the consensus splice site are a relatively common cause of aberrant splicing (PMID: 17576681, 9536098). Algorithms developed to predict the effect of sequence changes on RNA splicing suggest that this variant may disrupt the consensus splice site. ClinVar contains an entry for this variant (Variation ID: 560360). This variant has been observed in individual(s) with hypophosphatasia (Invitae). It has also been observed to segregate with disease in related individuals. This variant is not present in population databases (gnomAD no frequency). This sequence change falls in intron 5 of the ALPL gene. It does not directly change the encoded amino acid sequence of the ALPL protein. It affects a nucleotide within the consensus splice site.

Institute of Human Genetics, University of Wuerzburg
Classification: Uncertain significance for Decreased circulating alkaline phosphatase activity. Review status: no assertion criteria provided. Collection method: clinical testing. Allele origin: unknown. Not counted in ClinVar's aggregate classification.

Literature cited by the submitters: PubMed 17576681 (cited by Labcorp Genetics (formerly Invitae), Labcorp); PubMed 9536098 (cited by Labcorp Genetics (formerly Invitae), Labcorp).